The following is an entry in ClinVar:

NM_000342.4(SLC4A1):c.1918G>A (p.Val640Met)

Gene: SLC4A1 (solute carrier family 4 member 1 (Diego blood group); minus strand). Cytogenetic location: 17q21.31.
Variant type: single nucleotide variant.
Coding change: c.1918G>A on transcript NM_000342.4 (MANE Select); coding-DNA position 1918, G replaced by A.
Protein change: p.Val640Met; replaces valine 640 with methionine.
Molecular consequence: missense variant.
Genome position (GRCh38, 1-based): chr17:44,254,635, C>T on the plus strand (G>A on the coding strand, the complement: SLC4A1 is on the minus strand). VCF-style: chr17-44254635-C-T. GRCh37 (hg19) VCF-style: chr17-42332003-C-T.
Other names: short protein forms V640M.
Identifiers: ClinVar variation 2148296 (VCV002148296.4), dbSNP rs761829570, ClinGen allele CA8600166.

ClinVar aggregate classification (germline): Uncertain significance (1 of 4 stars; one submission).

Allele frequency attached by ClinVar (database versions not stated): gnomAD exomes 0.00001; ExAC 0.00002.
gnomAD v4.1: 8 of 1,614,084 alleles (0.0005%); highest among the groups gnomAD compares: African/African-American, 0.0013%; no homozygotes.

Submission:

Labcorp Genetics (formerly Invitae), Labcorp
Classification: Uncertain significance. Last evaluated: 2022-02-06. Review status: criteria provided, single submitter. Criteria: Invitae Variant Classification Sherloc (09022015). Collection method: clinical testing. Allele origin: germline.
Comment: In summary, the available evidence is currently insufficient to determine the role of this variant in disease. Therefore, it has been classified as a Variant of Uncertain Significance. Algorithms developed to predict the effect of missense changes on protein structure and function are either unavailable or do not agree on the potential impact of this missense change (SIFT: "Tolerated"; PolyPhen-2: "Probably Damaging"; Align-GVGD: "Class C0"). This variant has not been reported in the literature in individuals affected with SLC4A1-related conditions. This variant is present in population databases (rs761829570, gnomAD 0.002%). This sequence change replaces valine, which is neutral and non-polar, with methionine, which is neutral and non-polar, at codon 640 of the SLC4A1 protein (p.Val640Met).